The following is an entry in ClinVar:

NM_016507.4(CDK12):c.868C>T (p.Arg290Trp)

Genes: CDK12 (cyclin dependent kinase 12; plus strand), LOC126862553 (CDK7 strongly-dependent group 2 enhancer GRCh37_chr17:37618166-37619365; plus strand). Cytogenetic location: 17q12.
Variant type: single nucleotide variant.
Coding change: c.868C>T on transcript NM_016507.4 (MANE Select); coding-DNA position 868, C replaced by T.
Protein change: p.Arg290Trp; replaces arginine 290 with tryptophan.
Molecular consequence: missense variant.
Genome position (GRCh38, 1-based): chr17:39,462,939, C>T. VCF-style: chr17-39462939-C-T. GRCh37 (hg19) VCF-style: chr17-37619192-C-T.
Other names: c.868C>T, p.Arg290Trp (NM_015083.4); short protein forms R290W.
Identifiers: ClinVar variation 4651412 (VCV004651412.1).

ClinVar aggregate classification (germline): Uncertain significance (1 of 4 stars; one submission).

gnomAD v4.1: 1 of 1,614,102 alleles (0.000062%); highest among the groups gnomAD compares: African/African-American, 0.0013%; no homozygotes.

Submission:

Ambry Genetics
Classification: Uncertain significance. Last evaluated: 2025-10-27. Review status: criteria provided, single submitter. Criteria: Ambry Variant Classification Scheme 2023. Collection method: clinical testing. Allele origin: germline.
Comment: The p.R290W variant (also known as c.868C>T), located in coding exon 1 of the CDK12 gene, results from a C to T substitution at nucleotide position 868. The arginine at codon 290 is replaced by tryptophan, an amino acid with dissimilar properties. This amino acid position is conserved. In addition, the in silico prediction for this alteration is inconclusive. Based on the available evidence, the clinical significance of this variant remains unclear.